The following is an entry in ClinVar:

NM_134261.3(RORA):c.558C>A (p.Tyr186Ter)

Genes: RORA (RAR related orphan receptor A; minus strand), RORA-AS1 (RORA antisense RNA 1; plus strand). Cytogenetic location: 15q22.2.
Variant type: single nucleotide variant.
Coding change: c.558C>A on transcript NM_134261.3 (MANE Select); coding-DNA position 558, C replaced by A.
Protein change: p.Tyr186Ter; replaces tyrosine 186 with a stop codon.
Molecular consequence: nonsense.
Genome position (GRCh38, 1-based): chr15:60,511,488, G>T on the plus strand (C>A on the coding strand, the complement: RORA is on the minus strand). VCF-style: chr15-60511488-G-T. GRCh37 (hg19) VCF-style: chr15-60803687-G-T.
Other names: c.633C>A, p.Tyr211Ter (NM_002943.4); c.657C>A, p.Tyr219Ter (NM_134260.3); c.393C>A, p.Tyr131Ter (NM_134262.3); short protein forms Y131*, Y186*, Y211*, Y219*.
Identifiers: ClinVar variation 4850001 (VCV004850001.1).

ClinVar aggregate classification (germline): Likely pathogenic (1 of 4 stars; one submission).

Conditions:
Intellectual developmental disorder with or without epilepsy or cerebellar ataxia. Identifiers: MedGen C4748041, MONDO:0060745, OMIM 618060.

Submission:

Variantyx, Inc.
Classification: Likely pathogenic for Intellectual developmental disorder with or without epilepsy or cerebellar ataxia. Last evaluated: 2025-11-08. Review status: criteria provided, single submitter. Criteria: Variantyx Assertion Criteria 2022. Collection method: clinical testing. Allele origin: de novo. Inheritance: Autosomal dominant inheritance. Affected: yes.
Comment: This is a nonsense variant in the RORA gene (OMIM: 600825). Pathogenic variants in this gene have been associated with autosomal dominant intellectual developmental disorder with or without epilepsy or cerebellar ataxia. The alteration introduces a premature termination codon in exon 5 out of 11 and is expected to result in loss of function, which is a known disease mechanism for RORA in this disorder (PMID: 31164858, 28708303, 29656859) (PVS1). This variant is absent from control populations (PM2) and it has not been reported in individuals with RORA-related disorders in the databases available for review. Based on the current evidence, this variant is classified as likely pathogenic for autosomal dominant intellectual developmental disorder with or without epilepsy or cerebellar ataxia.

Literature cited by the submitters: PubMed 31164858; PubMed 28708303; PubMed 29656859.